The following is an entry in ClinVar:

NM_000539.3(RHO):c.518C>T (p.Ala173Val)

Gene: RHO (rhodopsin; plus strand). Cytogenetic location: 3q22.1.
Variant type: single nucleotide variant.
Coding change: c.518C>T on transcript NM_000539.3 (MANE Select); coding-DNA position 518, C replaced by T.
Protein change: p.Ala173Val; replaces alanine 173 with valine.
Molecular consequence: missense variant.
Genome position (GRCh38, 1-based): chr3:129,531,032, C>T. VCF-style: chr3-129531032-C-T. GRCh37 (hg19) VCF-style: chr3-129249875-C-T.
Other names: short protein forms A173V.
Identifiers: ClinVar variation 1714820 (VCV001714820.5), dbSNP rs1461270517, ClinGen allele CA354498754.

ClinVar aggregate classification (germline): Uncertain significance (1 of 4 stars; one submission).

Submission:

Labcorp Genetics (formerly Invitae), Labcorp
Classification: Uncertain significance. Last evaluated: 2022-08-02. Review status: criteria provided, single submitter. Criteria: Invitae Variant Classification Sherloc (09022015). Collection method: clinical testing. Allele origin: germline.
Comment: In summary, the available evidence is currently insufficient to determine the role of this variant in disease. Therefore, it has been classified as a Variant of Uncertain Significance. Advanced modeling of protein sequence and biophysical properties (such as structural, functional, and spatial information, amino acid conservation, physicochemical variation, residue mobility, and thermodynamic stability) performed at Invitae indicates that this missense variant is not expected to disrupt RHO protein function. This variant has not been reported in the literature in individuals affected with RHO-related conditions. This variant is not present in population databases (gnomAD no frequency). This sequence change replaces alanine, which is neutral and non-polar, with valine, which is neutral and non-polar, at codon 173 of the RHO protein (p.Ala173Val).